The following is an entry in ClinVar:

ClinVar aggregate classification (germline): Uncertain significance (1 of 4 stars; one submission).

Allele frequency attached by ClinVar (database versions not stated): gnomAD exomes 0.00003; TOPMed 0.00005; gnomAD 0.00004; ExAC 0.00007.
gnomAD v4.1: 54 of 1,606,630 alleles (0.0034%); highest among the groups gnomAD compares: Admixed American, 0.043%; no homozygotes.

Submission:

Labcorp Genetics (formerly Invitae), Labcorp
Classification: Uncertain significance. Last evaluated: 2022-06-07. Review status: criteria provided, single submitter. Criteria: Invitae Variant Classification Sherloc (09022015). Collection method: clinical testing. Allele origin: germline.
Comment: This sequence change replaces asparagine, which is neutral and polar, with serine, which is neutral and polar, at codon 275 of the MIPEP protein (p.Asn275Ser). This variant is present in population databases (rs776959438, gnomAD 0.06%). This variant has not been reported in the literature in individuals affected with MIPEP-related conditions. Algorithms developed to predict the effect of missense changes on protein structure and function output the following: SIFT: "Tolerated"; PolyPhen-2: "Benign"; Align-GVGD: "Class C0". The serine amino acid residue is found in multiple mammalian species, which suggests that this missense change does not adversely affect protein function. Algorithms developed to predict the effect of sequence changes on RNA splicing suggest that this variant may disrupt the consensus splice site. In summary, the available evidence is currently insufficient to determine the role of this variant in disease. Therefore, it has been classified as a Variant of Uncertain Significance.

NM_005932.4(MIPEP):c.824A>G (p.Asn275Ser)

Gene: MIPEP (mitochondrial intermediate peptidase; minus strand). Cytogenetic location: 13q12.12.
Variant type: single nucleotide variant.
Coding change: c.824A>G on transcript NM_005932.4 (MANE Select); coding-DNA position 824, A replaced by G.
Protein change: p.Asn275Ser; replaces asparagine 275 with serine.
Molecular consequence: missense variant.
Genome position (GRCh38, 1-based): chr13:23,869,411, T>C on the plus strand (A>G on the coding strand, the complement: MIPEP is on the minus strand). VCF-style: chr13-23869411-T-C. GRCh37 (hg19) VCF-style: chr13-24443550-T-C.
Other names: short protein forms N275S.
Identifiers: ClinVar variation 2064419 (VCV002064419.4), dbSNP rs776959438, ClinGen allele CA6913189.